The following is an entry in ClinVar:

NM_182916.3(TRNT1):c.-33G>A

Genes: TRNT1 (tRNA nucleotidyl transferase 1; plus strand), LOC129936047 (ATAC-STARR-seq lymphoblastoid silent region 14009; plus strand). Cytogenetic location: 3p26.2.
Variant type: single nucleotide variant.
Coding change: c.-33G>A on transcript NM_182916.3 (MANE Select); 33 bases upstream of the start codon, G replaced by A.
Molecular consequence: 5 prime UTR variant. On other transcripts: non-coding transcript variant (11).
Genome position (GRCh38, 1-based): chr3:3,126,985, G>A. VCF-style: chr3-3126985-G-A. GRCh37 (hg19) VCF-style: chr3-3168669-G-A.
Other names: c.-33G>A (NM_001302946.2, NM_001367321.1); c.-332G>A (NM_001367322.1); c.-1061G>A (NM_001367323.1).
Identifiers: ClinVar variation 513853 (VCV000513853.1), dbSNP rs1553550668, ClinGen allele CA658796218.

ClinVar aggregate classification (germline): Likely benign (1 of 4 stars; one submission).

Allele frequency attached by ClinVar (database versions not stated): TOPMed below 0.00001.
gnomAD v4.1: 1 of 152,974 alleles (0.00065%); highest among the groups gnomAD compares: Non-Finnish European, 0.0015%; no homozygotes.

Submission:

GeneDx
Classification: Likely benign. Last evaluated: 2017-12-22. Review status: criteria provided, single submitter. Criteria: GeneDx Variant Classification (06012015). Collection method: clinical testing. Allele origin: germline. Affected: yes.
Comment: This variant is considered likely benign or benign based on one or more of the following criteria: it is a conservative change, it occurs at a poorly conserved position in the protein, it is predicted to be benign by multiple in silico algorithms, and/or has population frequency not consistent with disease.